The following is an entry in ClinVar:

NM_025137.4(SPG11):c.2857G>C (p.Glu953Gln)

Gene: SPG11 (SPG11 vesicle trafficking associated, spatacsin; minus strand). Cytogenetic location: 15q21.1.
Variant type: single nucleotide variant.
Coding change: c.2857G>C on transcript NM_025137.4 (MANE Select); coding-DNA position 2857, G replaced by C.
Protein change: p.Glu953Gln; replaces glutamic acid 953 with glutamine.
Molecular consequence: missense variant.
Genome position (GRCh38, 1-based): chr15:44,615,544, C>G on the plus strand (G>C on the coding strand, the complement: SPG11 is on the minus strand). VCF-style: chr15-44615544-C-G. GRCh37 (hg19) VCF-style: chr15-44907742-C-G.
Other names: c.2857G>C, p.Glu953Gln (NM_001160227.2); short protein forms E953Q.
Identifiers: ClinVar variation 864163 (VCV000864163.7), dbSNP rs372906057, ClinGen allele CA392229602.

ClinVar aggregate classification (germline): Uncertain significance (1 of 4 stars; one submission).

Conditions:
Hereditary spastic paraplegia 11. Also called: SPASTIC PARAPLEGIA, AUTOSOMAL RECESSIVE, COMPLICATED, WITH THIN CORPUS CALLOSUM; SPASTIC PARAPLEGIA, AUTOSOMAL RECESSIVE, WITH MENTAL IMPAIRMENT AND THIN CORPUS CALLOSUM; Spastic Paraplegia 11; Nakamura Osame syndrome; Autosomal recessive hereditary spastic paraplegia, mental impairment, and thin corpus callosum; Spastic paraplegia, mental retardation and thin corpus callosum. Identifiers: Orphanet 2822, MedGen C1858479, MONDO:0011445, OMIM 604360.

Submission:

Labcorp Genetics (formerly Invitae), Labcorp
Classification: Uncertain significance for Hereditary spastic paraplegia 11. Last evaluated: 2021-09-01. Review status: criteria provided, single submitter. Criteria: Invitae Variant Classification Sherloc (09022015). Collection method: clinical testing. Allele origin: germline.
Comment: This sequence change replaces glutamic acid with glutamine at codon 953 of the SPG11 protein (p.Glu953Gln). The glutamic acid residue is highly conserved and there is a small physicochemical difference between glutamic acid and glutamine. This variant is not present in population databases (ExAC no frequency). This variant has not been reported in the literature in individuals affected with SPG11-related conditions. Algorithms developed to predict the effect of missense changes on protein structure and function are either unavailable or do not agree on the potential impact of this missense change (SIFT: "Deleterious"; PolyPhen-2: "Possibly Damaging"; Align-GVGD: "Class C0"). In summary, the available evidence is currently insufficient to determine the role of this variant in disease. Therefore, it has been classified as a Variant of Uncertain Significance.